The following is an entry in ClinVar:

ClinVar aggregate classification (germline): Pathogenic (1 of 4 stars; one submission).

Conditions:
Aniridia 1 (AN1). Identifiers: Orphanet 250923, MedGen C0344542, MONDO:0024507, OMIM 106210.
Irido-corneo-trabecular dysgenesis (ASGD5). Also called: ANTERIOR SEGMENT DYSGENESIS 5. Identifiers: Orphanet 708, MedGen C0344559, MONDO:0011414, OMIM 604229, HP:0000659.

Submission:

Labcorp Genetics (formerly Invitae), Labcorp
Classification: Pathogenic for Aniridia 1; Irido-corneo-trabecular dysgenesis. Last evaluated: 2024-02-10. Review status: criteria provided, single submitter. Criteria: Invitae Variant Classification Sherloc (09022015). Collection method: clinical testing. Allele origin: germline.
Comment: This sequence change creates a premature translational stop signal (p.Pro169Argfs*34) in the PAX6 gene. It is expected to result in an absent or disrupted protein product. Loss-of-function variants in PAX6 are known to be pathogenic (PMID: 12634864). This variant is not present in population databases (gnomAD no frequency). This variant has not been reported in the literature in individuals affected with PAX6-related conditions. Algorithms developed to predict the effect of sequence changes on RNA splicing suggest that this variant may create or strengthen a splice site. For these reasons, this variant has been classified as Pathogenic.

Literature cited by the submitters: PubMed 12634864.

NM_001368894.2(PAX6):c.546_558del (p.Pro183fs)

Gene: PAX6 (paired box 6; minus strand). Cytogenetic location: 11p13.
Variant type: Deletion.
Coding change: c.546_558del on transcript NM_001368894.2 (MANE Select); coding-DNA positions 546 to 558, 13 bases deleted (GCCAGGGCAACCT).
Protein change: p.Pro183fs; shifts the reading frame from proline 183.
Molecular consequence: frameshift variant. On other transcripts: non-coding transcript variant (2).
Genome position (GRCh38, 1-based): chr11:31,800,698-31,800,710, AGGTTGCCCTGGC deleted on the plus strand (GCCAGGGCAACCT on the coding strand, the reverse complement: PAX6 is on the minus strand); deleting any 13 consecutive bases within chr11:31,800,698-31,800,711 gives the same sequence; the c. name uses the placement nearest the transcript's 3' end. VCF-style (leftmost placement, unchanged base first): chr11-31800697-TAGGTTGCCCTGGC-T. GRCh37 (hg19) VCF-style: chr11-31822245-TAGGTTGCCCTGGC-T.
Other names: c.504_516del, p.Pro169fs (NM_001368916.2, NM_001368917.2, NM_000280.6 and 10 more transcripts); c.621_633del, p.Pro208fs (NM_001368918.2, NM_001368919.2); c.579_591del, p.Pro194fs (NM_001368920.2); c.345_357del, p.Pro116fs (NM_001368921.2, NM_001368922.2, NM_001368923.2 and 4 more transcripts); c.303_315del, p.Pro102fs (NM_001368928.2); c.96_108del, p.Pro33fs (NM_001368929.2, NM_001310160.2, NM_001310161.3 and 11 more transcripts); c.546_558del, p.Pro183fs (NM_001604.6, NM_001258462.3, NM_001258463.2 and 6 more transcripts); c.747_759del, p.Pro250fs (NM_001368910.2); and 1 more; short protein forms P102fs, P116fs, P169fs, P183fs, P184fs, P194fs, P208fs, P250fs.
Identifiers: ClinVar variation 3754558 (VCV003754558.2).
Genomic context (GRCh38, chr11:31,800,697, plus strand): 5'-CAGGCAAAGGGATGCACATATGGAGAGCTGCGTGGATGGCTGCTTGGGTTTTACCTTGCG[TAGGTTGCCCTGGC>T]ACCGAAGTCCCCGGATACCAACCAGGGCGGGTGCCCCAGCTTCCGGTCTGCCCGTTCAAC-3'